The following is an entry in ClinVar:

ClinVar aggregate classification (germline): Uncertain significance (1 of 4 stars; one submission).

Submission:

Mayo Clinic Laboratories, Mayo Clinic
Classification: Uncertain significance. Last evaluated: 2025-03-14. Review status: criteria provided, single submitter. Criteria: ACMG Guidelines, 2015. Collection method: clinical testing. Allele origin: germline. Observed: 1 variant allele.
Comment: BP4, PM2_supporting

NM_000096.4(CP):c.743A>G (p.Lys248Arg)

Gene: CP (ceruloplasmin; minus strand). Cytogenetic location: 3q25.1.
Variant type: single nucleotide variant.
Coding change: c.743A>G on transcript NM_000096.4 (MANE Select); coding-DNA position 743, A replaced by G.
Protein change: p.Lys248Arg; replaces lysine 248 with arginine.
Molecular consequence: missense variant. On other transcripts: non-coding transcript variant (1).
Genome position (GRCh38, 1-based): chr3:149,209,249, T>C on the plus strand (A>G on the coding strand, the complement: CP is on the minus strand). VCF-style: chr3-149209249-T-C. GRCh37 (hg19) VCF-style: chr3-148927036-T-C.
Other names: p.Lys248Arg; short protein forms K248R.
Identifiers: ClinVar variation 4540940 (VCV004540940.1).